The following is an entry in ClinVar:

ClinVar aggregate classification (germline): Uncertain significance (1 of 4 stars; one submission).

gnomAD v4.1: 2 of 1,614,170 alleles (0.00012%); highest among the groups gnomAD compares: South Asian, 0.0022%; no homozygotes.

Submission:

Labcorp Genetics (formerly Invitae), Labcorp
Classification: Uncertain significance. Last evaluated: 2022-10-01. Review status: criteria provided, single submitter. Criteria: Invitae Variant Classification Sherloc (09022015). Collection method: clinical testing. Allele origin: germline.
Comment: This sequence change replaces arginine, which is basic and polar, with glycine, which is neutral and non-polar, at codon 2492 of the COL7A1 protein (p.Arg2492Gly). This variant is not present in population databases (gnomAD no frequency). This variant has not been reported in the literature in individuals affected with COL7A1-related conditions. Advanced modeling of protein sequence and biophysical properties (such as structural, functional, and spatial information, amino acid conservation, physicochemical variation, residue mobility, and thermodynamic stability) performed at Invitae indicates that this missense variant is expected to disrupt COL7A1 protein function. In summary, the available evidence is currently insufficient to determine the role of this variant in disease. Therefore, it has been classified as a Variant of Uncertain Significance.

NM_000094.4(COL7A1):c.7474C>G (p.Arg2492Gly)

Gene: COL7A1 (collagen type VII alpha 1 chain; minus strand). Cytogenetic location: 3p21.31.
Variant type: single nucleotide variant.
Coding change: c.7474C>G on transcript NM_000094.4 (MANE Select); coding-DNA position 7474, C replaced by G.
Protein change: p.Arg2492Gly; replaces arginine 2492 with glycine.
Molecular consequence: missense variant.
Genome position (GRCh38, 1-based): chr3:48,570,145, G>C on the plus strand (C>G on the coding strand, the complement: COL7A1 is on the minus strand). VCF-style: chr3-48570145-G-C. GRCh37 (hg19) VCF-style: chr3-48607578-G-C.
Other names: short protein forms R2492G.
Identifiers: ClinVar variation 1982490 (VCV001982490.1), dbSNP rs765529435, ClinGen allele CA352645670.